The following is an entry in ClinVar:

ClinVar aggregate classification (germline): Conflicting classifications of pathogenicity. Review status: criteria provided, conflicting classifications (1 of 4 stars). 5 submissions from 5 submitters: Uncertain significance (1); Benign (1); Likely benign (3). Last evaluated 2025-10-07.

Conditions:
Hereditary nonpolyposis colorectal neoplasms. Identifiers: MedGen C0009405, MeSH D003123.
Lynch syndrome 4 (LYNCH4). Also called: Colorectal cancer, hereditary nonpolyposis, type 4; Hereditary non-polyposis colorectal cancer, type 4. Identifiers: Orphanet 144, MedGen C1838333, MONDO:0013699, OMIM 614337. Disease mechanism: loss of function.
Hereditary cancer-predisposing syndrome. Also called: Hereditary Cancer Syndrome; Tumor predisposition; Hereditary neoplastic syndrome; Neoplastic Syndromes, Hereditary. Identifiers: Orphanet 140162, MedGen C0027672, MeSH D009386, MONDO:0015356.

Submissions (5):

Women's Health and Genetics/Laboratory Corporation of America, LabCorp
Classification: Likely benign. Last evaluated: 2025-10-07. Review status: criteria provided, single submitter. Criteria: LabCorp Variant Classification Summary - May 2015. Collection method: clinical testing. Allele origin: germline.

Labcorp Genetics (formerly Invitae), Labcorp
Classification: Likely benign for Hereditary nonpolyposis colorectal neoplasms. Last evaluated: 2025-06-11. Review status: criteria provided, single submitter. Criteria: Invitae Variant Classification Sherloc (09022015). Collection method: clinical testing. Allele origin: germline.

Myriad Genetics, Inc.
Classification: Benign for Lynch syndrome 4. Last evaluated: 2025-02-04. Review status: criteria provided, single submitter. Criteria: Myriad Autosomal Dominant, Autosomal Recessive and X-Linked Classification Criteria (2023). Collection method: clinical testing. Allele origin: unknown.
Comment: This variant is considered benign. This variant is a silent/synonymous amino acid change and it is not expected to impact splicing.

Color Diagnostics, LLC DBA Color Health
Classification: Uncertain significance for Hereditary cancer-predisposing syndrome. Last evaluated: 2023-09-24. Review status: criteria provided, single submitter. Criteria: ACMG Guidelines, 2015. Collection method: clinical testing. Allele origin: germline.
Comment: This variant is located in the PMS2 protein. To our knowledge, functional studies have not been reported for this variant. This variant has not been reported in individuals affected with PMS2-related disorders in the literature. This variant has not been identified in the general population by the Genome Aggregation Database (gnomAD). The available evidence is insufficient to determine the role of this variant in disease conclusively. Therefore, this variant is classified as a Variant of Uncertain Significance.

Ambry Genetics
Classification: Likely benign for Hereditary cancer-predisposing syndrome. Last evaluated: 2021-12-20. Review status: criteria provided, single submitter. Criteria: Ambry Variant Classification Scheme 2023. Collection method: clinical testing. Allele origin: germline.

NM_000535.7(PMS2):c.2505G>T (p.Gly835=)

Gene: PMS2 (PMS1 homolog 2, mismatch repair system component; minus strand). Cytogenetic location: 7p22.1.
Variant type: single nucleotide variant.
Coding change: c.2505G>T on transcript NM_000535.7 (MANE Select); coding-DNA position 2505, G replaced by T.
Protein change: p.Gly835=; no amino-acid change (glycine 835 retained).
Molecular consequence: synonymous variant. On other transcripts: non-coding transcript variant (1).
Genome position (GRCh38, 1-based): chr7:5,973,483, C>A on the plus strand (G>T on the coding strand, the complement: PMS2 is on the minus strand). VCF-style: chr7-5973483-C-A. GRCh37 (hg19) VCF-style: chr7-6013114-C-A.
Other names: c.2100G>T, p.Gly700= (NM_001322003.2, NM_001322004.2, NM_001322005.2); c.2349G>T, p.Gly783= (NM_001322006.2); c.2187G>T, p.Gly729= (NM_001322007.2, NM_001322008.2); c.2133G>T, p.Gly711= (NM_001322009.2); c.1944G>T, p.Gly648= (NM_001322010.2); c.1572G>T, p.Gly524= (NM_001322011.2, NM_001322012.2); c.1932G>T, p.Gly644= (NM_001322013.2); c.2538G>T, p.Gly846= (NM_001322014.2); and 1 more.
Identifiers: ClinVar variation 719289 (VCV000719289.16), dbSNP rs1583269666, ClinGen allele CA453642087.